The following is an entry in ClinVar:

ClinVar aggregate classification (germline): Uncertain significance (1 of 4 stars; one submission).

Submission:

Labcorp Genetics (formerly Invitae), Labcorp
Classification: Uncertain significance. Last evaluated: 2022-08-09. Review status: criteria provided, single submitter. Criteria: Invitae Variant Classification Sherloc (09022015). Collection method: clinical testing. Allele origin: germline.
Comment: This sequence change replaces proline, which is neutral and non-polar, with serine, which is neutral and polar, at codon 1338 of the UNC80 protein (p.Pro1338Ser). This variant is not present in population databases (gnomAD no frequency). This variant has not been reported in the literature in individuals affected with UNC80-related conditions. Algorithms developed to predict the effect of missense changes on protein structure and function are either unavailable or do not agree on the potential impact of this missense change (SIFT: "Not Available"; PolyPhen-2: "Probably Damaging"; Align-GVGD: "Not Available"). In summary, the available evidence is currently insufficient to determine the role of this variant in disease. Therefore, it has been classified as a Variant of Uncertain Significance.

NM_001371986.1(UNC80):c.4006C>T (p.Pro1336Ser)

Gene: UNC80 (unc-80 subunit of NALCN channel complex; plus strand). Cytogenetic location: 2q34.
Variant type: single nucleotide variant.
Coding change: c.4006C>T on transcript NM_001371986.1 (MANE Select); coding-DNA position 4006, C replaced by T.
Protein change: p.Pro1336Ser; replaces proline 1336 with serine.
Molecular consequence: missense variant.
Genome position (GRCh38, 1-based): chr2:209,880,990, C>T. VCF-style: chr2-209880990-C-T. GRCh37 (hg19) VCF-style: chr2-210745714-C-T.
Other names: c.4012C>T, p.Pro1338Ser (NM_032504.2); c.3997C>T, p.Pro1333Ser (NM_182587.4); short protein forms P1338S, P1333S, P1336S.
Identifiers: ClinVar variation 2123203 (VCV002123203.4), dbSNP rs2085239270, ClinGen allele CA350747649.